The following is an entry in ClinVar:

ClinVar aggregate classification (germline): Likely benign (1 of 4 stars; one submission).

Allele frequency attached by ClinVar (database versions not stated): ExAC 0.00007; TOPMed 0.00007; gnomAD 0.00011 and 0.00014; gnomAD exomes 0.00014.
gnomAD v4.1: 255 of 1,534,642 alleles (0.017%); highest among the groups gnomAD compares: Non-Finnish European, 0.022%; no homozygotes.

Submission:

GeneDx
Classification: Likely benign. Last evaluated: 2017-05-02. Review status: criteria provided, single submitter. Criteria: GeneDx Variant Classification (06012015). Collection method: clinical testing. Allele origin: germline. Affected: yes.
Comment: This variant is considered likely benign or benign based on one or more of the following criteria: it is a conservative change, it occurs at a poorly conserved position in the protein, it is predicted to be benign by multiple in silico algorithms, and/or has population frequency not consistent with disease.

NM_004522.3(KIF5C):c.-17C>T

Gene: KIF5C (kinesin family member 5C; plus strand). Cytogenetic location: 2q23.1.
Variant type: single nucleotide variant.
Coding change: c.-17C>T on transcript NM_004522.3 (MANE Select); 17 bases upstream of the start codon, C replaced by T.
Molecular consequence: 5 prime UTR variant.
Genome position (GRCh38, 1-based): chr2:148,875,601, C>T. VCF-style: chr2-148875601-C-T. GRCh37 (hg19) VCF-style: chr2-149633170-C-T.
Identifiers: ClinVar variation 509254 (VCV000509254.1), dbSNP rs768043445, ClinGen allele CA1901129.